The following is an entry in ClinVar:

NM_001267550.2(TTN):c.19670A>G (p.Asn6557Ser)

Gene: TTN (titin; minus strand). Cytogenetic location: 2q31.2.
Variant type: single nucleotide variant.
Coding change: c.19670A>G on transcript NM_001267550.2 (MANE Select); coding-DNA position 19670, A replaced by G.
Protein change: p.Asn6557Ser; replaces asparagine 6557 with serine.
Molecular consequence: missense variant. On other transcripts: intron variant (3).
Genome position (GRCh38, 1-based): chr2:178,728,154, T>C on the plus strand (A>G on the coding strand, the complement: TTN is on the minus strand). VCF-style: chr2-178728154-T-C. GRCh37 (hg19) VCF-style: chr2-179592881-T-C.
Other names: c.18719A>G, p.Asn6240Ser (NM_001256850.1); c.15938A>G, p.Asn5313Ser (NM_133378.4); c.13282+9928A>G (NM_003319.4); c.13858+9928A>G (NM_133437.4); c.13657+9928A>G (NM_133432.3); short protein forms N5313S, N6240S, N6557S.
Identifiers: ClinVar variation 3900184 (VCV003900184.1).

ClinVar aggregate classification (germline): Uncertain significance (1 of 4 stars; one submission).

gnomAD v4.1: 5 of 1,607,940 alleles (0.00031%); highest among the groups gnomAD compares: Non-Finnish European, 0.00043%; no homozygotes.

Submission:

GeneDx
Classification: Uncertain significance. Last evaluated: 2024-11-26. Review status: criteria provided, single submitter. Criteria: GeneDx Variant Classification Process June 2021. Collection method: clinical testing. Allele origin: germline. Affected: yes.
Comment: Not observed at significant frequency in large population cohorts (gnomAD); Missense variant in a gene in which most reported pathogenic variants are truncating/loss of function; Has not been previously published as pathogenic or benign to our knowledge; This variant is associated with the following publications: (PMID: 23975875)